The following is an entry in ClinVar:

ClinVar aggregate classification (germline): Likely benign (0 of 4 stars; one submission).

Submission:

ISCA site 4
Classification: Likely benign. Last evaluated: 2017-09-01. Review status: no assertion criteria provided. Collection method: clinical testing. Allele origin: unknown. Affected: yes. Observed: 1 variant allele.
Comment: intronic loss

Copy number variation identified through the course of routine clinical cytogenomic testing in postnatal populations, with clinical assertions as classified by the original submitter.

GRCh38/hg38 2p16.3(chr2:50008168-50041168)x1

Gene: NRXN1 (neurexin 1; minus strand). Cytogenetic location: 2p16.3.
Variant type: copy number loss.
Change: copy number 1 (one copy instead of two) of chr2:50,008,168-50,041,168 (33.0 kb, GRCh38 coordinates, 1-based), cytogenetic band 2p16.3.
Identifiers: ClinVar variation 149333 (VCV000149333.3).